The following is an entry in ClinVar:

ClinVar aggregate classification (germline): Likely pathogenic (1 of 4 stars; one submission).

Conditions:
Maturity-onset diabetes of the young type 6 (MODY6). Identifiers: Orphanet 552, MedGen C1853371, MONDO:0011668, OMIM 606394.

Submission:

MVZ Medizinische Genetik Mainz
Classification: Likely pathogenic for Maturity-onset diabetes of the young type 6. Last evaluated: 2025-12-11. Review status: criteria provided, single submitter. Criteria: UK Practice Guidelines For Variant Classification V4 01 2020. Collection method: clinical testing. Allele origin: germline. Inheritance: Autosomal dominant inheritance. Affected: yes. Observed: 1 variant allele.
Comment: ACMG Criteria: PP3_STR,PM5,PM2_SUP

NM_002500.5(NEUROD1):c.328G>C (p.Glu110Gln)

Gene: NEUROD1 (neuronal differentiation 1; minus strand). Cytogenetic location: 2q31.3.
Variant type: single nucleotide variant.
Coding change: c.328G>C on transcript NM_002500.5 (MANE Select); coding-DNA position 328, G replaced by C.
Protein change: p.Glu110Gln; replaces glutamic acid 110 with glutamine.
Molecular consequence: missense variant.
Genome position (GRCh38, 1-based): chr2:181,678,533, C>G on the plus strand (G>C on the coding strand, the complement: NEUROD1 is on the minus strand). VCF-style: chr2-181678533-C-G. GRCh37 (hg19) VCF-style: chr2-182543260-C-G.
Other names: short protein forms E110Q.
Identifiers: ClinVar variation 4540411 (VCV004540411.1).